The following is an entry in ClinVar:

ClinVar aggregate classification (germline): Uncertain significance (1 of 4 stars; one submission).

gnomAD v4.1: 15 of 1,609,504 alleles (0.00093%); highest among the groups gnomAD compares: Non-Finnish European, 0.0013%; no homozygotes.

Submission:

Labcorp Genetics (formerly Invitae), Labcorp
Classification: Uncertain significance. Last evaluated: 2025-08-23. Review status: criteria provided, single submitter. Criteria: Invitae Variant Classification Sherloc (09022015). Collection method: clinical testing. Allele origin: germline.
Comment: This sequence change replaces serine, which is neutral and polar, with asparagine, which is neutral and polar, at codon 887 of the ZMIZ1 protein (p.Ser887Asn). This variant is present in population databases (rs780008519, gnomAD 0.002%). This variant has not been reported in the literature in individuals affected with ZMIZ1-related conditions. Invitae Evidence Modeling of protein sequence and biophysical properties (such as structural, functional, and spatial information, amino acid conservation, physicochemical variation, residue mobility, and thermodynamic stability) indicates that this missense variant is not expected to disrupt ZMIZ1 protein function with a negative predictive value of 95%. In summary, the available evidence is currently insufficient to determine the role of this variant in disease. Therefore, it has been classified as a Variant of Uncertain Significance.

NM_020338.4(ZMIZ1):c.2660G>A (p.Ser887Asn)

Gene: ZMIZ1 (zinc finger MIZ-type containing 1; plus strand). Cytogenetic location: 10q22.3.
Variant type: single nucleotide variant.
Coding change: c.2660G>A on transcript NM_020338.4 (MANE Select); coding-DNA position 2660, G replaced by A.
Protein change: p.Ser887Asn; replaces serine 887 with asparagine.
Molecular consequence: missense variant.
Genome position (GRCh38, 1-based): chr10:79,306,336, G>A. VCF-style: chr10-79306336-G-A. GRCh37 (hg19) VCF-style: chr10-81066093-G-A.
Other names: short protein forms S887N.
Identifiers: ClinVar variation 4762885 (VCV004762885.1).